The following is an entry in ClinVar:

ClinVar aggregate classification (germline): Uncertain significance. Review status: criteria provided, multiple submitters, no conflicts (2 of 4 stars). 2 submissions from 2 submitters: Uncertain significance (2). Last evaluated 2026-02-01.

Allele frequency attached by ClinVar (database versions not stated): ExAC 0.00003; gnomAD 0.00004; TOPMed 0.00004; ESP Exome Variant Server 0.00008; 1000 Genomes Project 30x 0.00016; 1000 Genomes Project 0.00020.
gnomAD v4.1: 36 of 1,614,150 alleles (0.0022%); highest among the groups gnomAD compares: South Asian, 0.023%; 1 homozygote.

Submissions (2):

Labcorp Genetics (formerly Invitae), Labcorp
Classification: Uncertain significance. Last evaluated: 2026-02-01. Review status: criteria provided, single submitter. Criteria: Invitae Variant Classification Sherloc (09022015). Collection method: clinical testing. Allele origin: germline.
Comment: This sequence change replaces cysteine, which is neutral and slightly polar, with serine, which is neutral and polar, at codon 65 of the ADGRE2 protein (p.Cys65Ser). This variant is present in population databases (rs371292166, gnomAD 0.01%). This variant has not been reported in the literature in individuals affected with ADGRE2-related conditions. ClinVar contains an entry for this variant (Variation ID: 1981971). An algorithm developed to predict the effect of missense changes on protein structure and function (PolyPhen-2) suggests that this variant is likely to be disruptive. In summary, the available evidence is currently insufficient to determine the role of this variant in disease. Therefore, it has been classified as a Variant of Uncertain Significance.

Ambry Genetics
Classification: Uncertain significance. Last evaluated: 2023-04-19. Review status: criteria provided, single submitter. Criteria: Ambry Variant Classification Scheme 2023. Collection method: clinical testing. Allele origin: germline.

NM_013447.4(ADGRE2):c.194G>C (p.Cys65Ser)

Gene: ADGRE2 (adhesion G protein-coupled receptor E2; minus strand). Cytogenetic location: 19p13.12.
Variant type: single nucleotide variant.
Coding change: c.194G>C on transcript NM_013447.4 (MANE Select); coding-DNA position 194, G replaced by C.
Protein change: p.Cys65Ser; replaces cysteine 65 with serine.
Molecular consequence: missense variant.
Genome position (GRCh38, 1-based): chr19:14,773,943, C>G on the plus strand (G>C on the coding strand, the complement: ADGRE2 is on the minus strand). VCF-style: chr19-14773943-C-G. GRCh37 (hg19) VCF-style: chr19-14884755-C-G.
Other names: c.194G>C, p.Cys65Ser (NM_001271052.1, NM_152916.2, NM_152917.2); c.194G>C (NM_013447.2); short protein forms C65S.
Identifiers: ClinVar variation 1981971 (VCV001981971.6), dbSNP rs371292166, ClinGen allele CA9258278.